The following is an entry in ClinVar:

NM_006517.5(SLC16A2):c.676C>T (p.Arg226Cys)

Gene: SLC16A2 (solute carrier family 16 member 2; plus strand). Cytogenetic location: Xq13.2.
Variant type: single nucleotide variant.
Coding change: c.676C>T on transcript NM_006517.5 (MANE Select); coding-DNA position 676, C replaced by T.
Protein change: p.Arg226Cys; replaces arginine 226 with cysteine.
Molecular consequence: missense variant.
Genome position (GRCh38, 1-based): chrX:74,524,459, C>T. VCF-style: chrX-74524459-C-T. GRCh37 (hg19) VCF-style: chrX-73744294-C-T.
Other names: c.898C>T (NM_006517.3); short protein forms R226C.
Identifiers: ClinVar variation 676798 (VCV000676798.6), dbSNP rs201194222, ClinGen allele CA10454451.
Genomic context (GRCh38, chrX:74,524,459, plus strand): 5'-GGTTGTGGCTGTTCCTTCGCCTTTCAGCCATCCCTCGTCATCCTGGGCCACTACTTTCAA[C>T]GCCGCCTGGGTCTGGCCAATGGTGTGGTGTCTGCTGGGAGTAGCATTTTCTCCATGTCCT-3'
Protein context (NP_006508.2, residues 216-236): SLVILGHYFQ[Arg226Cys]RLGLANGVVS

ClinVar aggregate classification (germline): Benign/Likely benign. Review status: criteria provided, multiple submitters, no conflicts (2 of 4 stars). 3 submissions from 3 submitters: Benign (1); Likely benign (2). Last evaluated 2025-12-06.

Conditions:
Inborn genetic diseases. Identifiers: MedGen C0950123, MeSH D030342.
Spastic paraplegia. Identifiers: MedGen C0037772, HP:0001258.

Allele frequency attached by ClinVar (database versions not stated): gnomAD 0.00004; TOPMed 0.00006; gnomAD exomes 0.00007 and 0.00012; ExAC 0.00010; ESP Exome Variant Server 0.00019.

Submissions (3):

Labcorp Genetics (formerly Invitae), Labcorp
Classification: Benign for Spastic paraplegia. Last evaluated: 2025-12-06. Review status: criteria provided, single submitter. Criteria: Invitae Variant Classification Sherloc (09022015). Collection method: clinical testing. Allele origin: germline.

Ambry Genetics
Classification: Likely benign for Inborn genetic diseases. Last evaluated: 2024-01-16. Review status: criteria provided, single submitter. Criteria: Ambry Variant Classification Scheme 2023. Collection method: clinical testing. Allele origin: germline.

GeneDx
Classification: Likely benign. Last evaluated: 2017-12-18. Review status: criteria provided, single submitter. Criteria: GeneDx Variant Classification (06012015). Collection method: clinical testing. Allele origin: germline. Affected: yes.
Comment: This variant is considered likely benign or benign based on one or more of the following criteria: it is a conservative change, it occurs at a poorly conserved position in the protein, it is predicted to be benign by multiple in silico algorithms, and/or has population frequency not consistent with disease.